The following is an entry in ClinVar:

NM_000843.4(GRM6):c.1876G>A (p.Val626Ile)

Genes: GRM6 (glutamate metabotropic receptor 6; minus strand), ZNF454 (zinc finger protein 454; plus strand). Cytogenetic location: 5q35.3.
Variant type: single nucleotide variant.
Coding change: c.1876G>A on transcript NM_000843.4 (MANE Select); coding-DNA position 1876, G replaced by A.
Protein change: p.Val626Ile; replaces valine 626 with isoleucine.
Molecular consequence: missense variant.
Genome position (GRCh38, 1-based): chr5:178,986,378, C>T on the plus strand (G>A on the coding strand, the complement: GRM6 is on the minus strand). VCF-style: chr5-178986378-C-T. GRCh37 (hg19) VCF-style: chr5-178413379-C-T.
Other names: c.1876G>A (NM_000843.3); short protein forms V626I.
Identifiers: ClinVar variation 1469201 (VCV001469201.5), dbSNP rs756767401, ClinGen allele CA3593896.

ClinVar aggregate classification (germline): Uncertain significance. Review status: criteria provided, multiple submitters, no conflicts (2 of 4 stars). 2 submissions from 2 submitters: Uncertain significance (2). Last evaluated 2024-11-14.

Conditions:
Inborn genetic diseases. Identifiers: MedGen C0950123, MeSH D030342.

Allele frequency attached by ClinVar (database versions not stated): ExAC 0.00001; gnomAD 0.00001; gnomAD exomes 0.00001; TOPMed 0.00001.
gnomAD v4.1: 16 of 1,614,050 alleles (0.00099%); highest among the groups gnomAD compares: Admixed American, 0.0033%; no homozygotes.

Submissions (2):

Ambry Genetics
Classification: Uncertain significance for Inborn genetic diseases. Last evaluated: 2024-11-14. Review status: criteria provided, single submitter. Criteria: Ambry Variant Classification Scheme 2023. Collection method: clinical testing. Allele origin: germline.

Labcorp Genetics (formerly Invitae), Labcorp
Classification: Uncertain significance. Last evaluated: 2022-07-30. Review status: criteria provided, single submitter. Criteria: Invitae Variant Classification Sherloc (09022015). Collection method: clinical testing. Allele origin: germline.
Comment: This variant has not been reported in the literature in individuals affected with GRM6-related conditions. In summary, the available evidence is currently insufficient to determine the role of this variant in disease. Therefore, it has been classified as a Variant of Uncertain Significance. Algorithms developed to predict the effect of missense changes on protein structure and function output the following: SIFT: "Tolerated"; PolyPhen-2: "Benign"; Align-GVGD: "Class C0". The isoleucine amino acid residue is found in multiple mammalian species, which suggests that this missense change does not adversely affect protein function. ClinVar contains an entry for this variant (Variation ID: 1469201). This variant is present in population databases (rs756767401, gnomAD 0.003%). This sequence change replaces valine, which is neutral and non-polar, with isoleucine, which is neutral and non-polar, at codon 626 of the GRM6 protein (p.Val626Ile).